The following is an entry in ClinVar:

ClinVar aggregate classification (germline): Uncertain significance (1 of 4 stars; one submission).

Submission:

Labcorp Genetics (formerly Invitae), Labcorp
Classification: Uncertain significance. Last evaluated: 2022-09-01. Review status: criteria provided, single submitter. Criteria: Invitae Variant Classification Sherloc (09022015). Collection method: clinical testing. Allele origin: germline.
Comment: In summary, the available evidence is currently insufficient to determine the role of this variant in disease. Therefore, it has been classified as a Variant of Uncertain Significance. Algorithms developed to predict the effect of missense changes on protein structure and function output the following: SIFT: "Tolerated"; PolyPhen-2: "Benign"; Align-GVGD: "Class C0". The tryptophan amino acid residue is found in multiple mammalian species, which suggests that this missense change does not adversely affect protein function. ClinVar contains an entry for this variant (Variation ID: 1394344). This variant has not been reported in the literature in individuals affected with IL6ST-related conditions. This variant is not present in population databases (gnomAD no frequency). This sequence change replaces cysteine, which is neutral and slightly polar, with tryptophan, which is neutral and slightly polar, at codon 419 of the IL6ST protein (p.Cys419Trp).

NM_002184.4(IL6ST):c.1257T>G (p.Cys419Trp)

Gene: IL6ST (interleukin 6 cytokine family signal transducer; minus strand). Cytogenetic location: 5q11.2.
Variant type: single nucleotide variant.
Coding change: c.1257T>G on transcript NM_002184.4 (MANE Select); coding-DNA position 1257, T replaced by G.
Protein change: p.Cys419Trp; replaces cysteine 419 with tryptophan.
Molecular consequence: missense variant. On other transcripts: 3 prime UTR variant (1), non-coding transcript variant (2).
Genome position (GRCh38, 1-based): chr5:55,956,035, A>C on the plus strand (T>G on the coding strand, the complement: IL6ST is on the minus strand). VCF-style: chr5-55956035-A-C. GRCh37 (hg19) VCF-style: chr5-55251863-A-C.
Other names: c.1257T>G, p.Cys419Trp (NM_001190981.2, NM_001364275.2); c.1047T>G, p.Cys349Trp (NM_001364276.2); c.390T>G, p.Cys130Trp (NM_001364277.2); c.354T>G, p.Cys118Trp (NM_001364278.2); c.261T>G, p.Cys87Trp (NM_001364279.2); c.*184T>G (NM_175767.3); short protein forms C130W, C349W, C118W, C419W, C87W.
Identifiers: ClinVar variation 1394344 (VCV001394344.6), dbSNP rs2111711908, ClinGen allele CA359763814.